The following is an entry in ClinVar:

ClinVar aggregate classification (germline): Pathogenic (1 of 4 stars; one submission).

Submission:

Labcorp Genetics (formerly Invitae), Labcorp
Classification: Pathogenic. Last evaluated: 2022-01-01. Review status: criteria provided, single submitter. Criteria: Invitae Variant Classification Sherloc (09022015). Collection method: clinical testing. Allele origin: germline.
Comment: This sequence change creates a premature translational stop signal (p.Ser226Valfs*16) in the LAMC2 gene. It is expected to result in an absent or disrupted protein product. Loss-of-function variants in LAMC2 are known to be pathogenic (PMID: 11907499, 16473856). This variant is not present in population databases (gnomAD no frequency). This variant has not been reported in the literature in individuals affected with LAMC2-related conditions. For these reasons, this variant has been classified as Pathogenic.

Literature cited by the submitters: PubMed 11907499; PubMed 16473856.

NM_005562.3(LAMC2):c.675dup (p.Ser226fs)

Gene: LAMC2 (laminin subunit gamma 2; plus strand). Cytogenetic location: 1q25.3.
Variant type: Duplication.
Coding change: c.675dup on transcript NM_005562.3 (MANE Select); coding-DNA position 675, one base duplicated (G; older notation c.675dupG).
Protein change: p.Ser226fs; shifts the reading frame from serine 226.
Molecular consequence: frameshift variant.
Genome position (GRCh38, 1-based): chr1:183,222,123, G duplicated; the last of 3 consecutive G bases (chr1:183,222,121-183,222,123); duplicating any one gives the same sequence. VCF-style (leftmost placement, unchanged base first): chr1-183222120-T-TG. GRCh37 (hg19) VCF-style: chr1-183191255-T-TG.
Other names: c.675dup, p.Ser226fs (NM_018891.3); short protein forms S226fs.
Identifiers: ClinVar variation 1957029 (VCV001957029.5), dbSNP rs2526037804, ClinGen allele CA2580061599.